The following is an entry in ClinVar:

ClinVar aggregate classification (germline): Uncertain significance. Review status: criteria provided, multiple submitters, no conflicts (2 of 4 stars). 4 submissions from 4 submitters: Uncertain significance (3). 1 of the submissions does not count toward it. Last evaluated 2024-08-07.

Conditions:
Hereditary spastic paraplegia 48. Also called: Spastic paraplegia 48; SPASTIC PARAPLEGIA 48, AUTOSOMAL RECESSIVE. Identifiers: Orphanet 306511, MedGen C3150901, MONDO:0013342, OMIM 613647.
Inborn genetic diseases. Identifiers: MedGen C0950123, MeSH D030342.
Retinal dystrophy. Also called: Inherited retinal dystrophy. Identifiers: Orphanet 71862, MedGen C0854723, MeSH D058499, MONDO:0019118, HP:0000556.

Allele frequency attached by ClinVar (database versions not stated): gnomAD 0.00003; gnomAD exomes 0.00003; TOPMed 0.00004; ExAC 0.00007.
gnomAD v4.1: 52 of 1,608,740 alleles (0.0032%); highest among the groups gnomAD compares: South Asian, 0.0044%; no homozygotes.

Submissions (4):

Blueprint Genetics
Classification: Uncertain significance. Last evaluated: 2024-08-07. Review status: criteria provided, single submitter. Criteria: ACMG Guidelines, 2015. Collection method: clinical testing. Allele origin: germline.

Ambry Genetics
Classification: Uncertain significance for Inborn genetic diseases. Last evaluated: 2022-08-30. Review status: criteria provided, single submitter. Criteria: Ambry Variant Classification Scheme 2023. Collection method: clinical testing. Allele origin: germline.

Labcorp Genetics (formerly Invitae), Labcorp
Classification: Uncertain significance for Hereditary spastic paraplegia 48. Last evaluated: 2022-06-27. Review status: criteria provided, single submitter. Criteria: Invitae Variant Classification Sherloc (09022015). Collection method: clinical testing. Allele origin: germline.
Comment: In summary, the available evidence is currently insufficient to determine the role of this variant in disease. Therefore, it has been classified as a Variant of Uncertain Significance. Algorithms developed to predict the effect of missense changes on protein structure and function are either unavailable or do not agree on the potential impact of this missense change (SIFT: "Deleterious"; PolyPhen-2: "Probably Damaging"; Align-GVGD: "Class C0"). This variant has not been reported in the literature in individuals affected with AP5Z1-related conditions. This variant is present in population databases (rs759903205, gnomAD 0.01%). This sequence change replaces threonine, which is neutral and polar, with methionine, which is neutral and non-polar, at codon 704 of the AP5Z1 protein (p.Thr704Met).

Institute of Human Genetics, Univ. Regensburg, Univ. Regensburg
Classification: Uncertain significance for Retinal dystrophy. Last evaluated: 2022-01-01. Review status: no assertion criteria provided. Criteria: ACMG Guidelines, 2015. Collection method: clinical testing. Allele origin: germline. Affected: yes. Not counted in ClinVar's aggregate classification.

NM_014855.3(AP5Z1):c.2111C>T (p.Thr704Met)

Gene: AP5Z1 (adaptor related protein complex 5 subunit zeta 1; plus strand). Cytogenetic location: 7p22.1.
Variant type: single nucleotide variant.
Coding change: c.2111C>T on transcript NM_014855.3 (MANE Select); coding-DNA position 2111, C replaced by T.
Protein change: p.Thr704Met; replaces threonine 704 with methionine.
Molecular consequence: missense variant. On other transcripts: non-coding transcript variant (1).
Genome position (GRCh38, 1-based): chr7:4,790,845, C>T. VCF-style: chr7-4790845-C-T. GRCh37 (hg19) VCF-style: chr7-4830476-C-T.
Other names: c.1643C>T, p.Thr548Met (NM_001364858.1); c.2111C>T (NM_014855.2); short protein forms T548M, T704M.
Identifiers: ClinVar variation 2152173 (VCV002152173.6), dbSNP rs759903205, ClinGen allele CA4138303.
Genomic context (GRCh38, chr7:4,790,845, plus strand): 5'-GCCGCCCCTCTGCTGCCCTGCCCAGGTGTCCCCCCCAGGTGGTCACCGTGCTGATGACCA[C>T]GCTGACGAAGCTGGCCTCCCGGAGCCAAGATCTGATCCCCAGGTGCCTGGTCAGGGAGGG-3'
Protein context (NP_055670.1, residues 694-714): PPQVVTVLMT[Thr704Met]LTKLASRSQD